The following is an entry in ClinVar:

ClinVar aggregate classification (germline): Likely pathogenic. Review status: criteria provided, multiple submitters, no conflicts (2 of 4 stars). 2 submissions from 2 submitters: Likely pathogenic (2). Last evaluated 2025-09-03.

Conditions:
Dilated cardiomyopathy 1G (CMD1G). Identifiers: Orphanet 154, MedGen C1858763, MONDO:0011400, OMIM 604145.
Autosomal recessive limb-girdle muscular dystrophy type 2J (LGMDR10). Also called: Limb-girdle muscular dystrophy, type 2J; MUSCULAR DYSTROPHY, LIMB-GIRDLE, AUTOSOMAL RECESSIVE 10. Identifiers: Orphanet 140922, MedGen C1837342, MONDO:0012127, OMIM 608807.
Autosomal recessive titinopathy. Identifiers: MedGen CN315649, MONDO:0100493.

Submissions (2):

Labcorp Genetics (formerly Invitae), Labcorp
Classification: Likely pathogenic for Dilated cardiomyopathy 1G; Autosomal recessive limb-girdle muscular dystrophy type 2J. Last evaluated: 2025-09-03. Review status: criteria provided, single submitter. Criteria: Invitae Variant Classification Sherloc (09022015). Collection method: clinical testing. Allele origin: germline.
Comment: This sequence change creates a premature translational stop signal (p.Thr10975Profs*15) in the TTN gene. While this is not anticipated to result in nonsense mediated decay, it is expected to create a truncated TTN protein. This variant is not present in population databases (gnomAD no frequency). This variant has not been observed in the literature in individuals with autosomal recessive TTN-related conditions. This variant has been reported in individual(s) with dilated cardiomyopathy (internal data); however, the role of the variant in this condition is currently unclear. ClinVar contains an entry for this variant (Variation ID: 3756435). This variant is located in the I band of TTN (PMID: 25589632). Truncating variants in this region have been reported in individuals affected with autosomal recessive centronuclear myopathy (PMID: 23975875, internal data). Truncating variants in this region have also been identified in individuals affected with autosomal dominant dilated cardiomyopathy and/or cardio-related conditions (PMID: 27869827, 32964742, internal data). In summary, the currently available evidence indicates that the variant is pathogenic, but additional data are needed to prove that conclusively. Therefore, this variant has been classified as Likely Pathogenic.

Women's Health and Genetics/Laboratory Corporation of America, LabCorp
Classification: Likely pathogenic for Autosomal recessive titinopathy. Last evaluated: 2025-02-13. Review status: criteria provided, single submitter. Criteria: LabCorp Variant Classification Summary - May 2015. Collection method: clinical testing. Allele origin: germline.
Comment: Variant summary: TTN c.29190_29191delTA (p.Thr9731ProfsX15) (also known as NM_001267550 c.32922_32923delTA , p.Thr10975ProfsX15) results in a premature termination codon, predicted to cause a truncation of the encoded protein or absence of the protein due to nonsense mediated decay, which are commonly known mechanisms for disease. Loss of function variants in all TTN bands are strongly associated with a spectrum of autosomal recessive titinopathies when exon expression (proportion spliced in, PSI, 1=complete expression) in skeletal muscle is >0.1 (PMID: 36977548, 39198997, 29598826, 32778822, 29691892, 33449170, 36977548, internal data). In contrast, loss of function variants in all TTN bands are only strongly associated with autosomal dominant TTN-related cardiomyopathies if located in exons constitutively expressed (PSI >0.9) in cardiac muscle, excluding extreme C-terminal exons 359-363 (PMID: 25589632, 31216868, 32964742, 34662387, 27869827, Shetty et al., Nat Cardiovasc Res 2024,, internal data). This variant has a maximum skeletal muscle PSI of .772 and a maximum cardiac muscle PSI of .760. The variant was absent in 245308 control chromosomes. To our knowledge, no occurrence of c.29190_29191delTA in individuals affected with Autosomal Recessive Titinopathy and no experimental evidence demonstrating its impact on protein function have been reported. No submitters have cited clinical-significance assessments for this variant to ClinVar. Based on the evidence outlined above, the variant was classified as likely pathogenic for autosomal recessive TTN-related conditions.

Literature cited by the submitters: PubMed 25589632 (cited by Labcorp Genetics (formerly Invitae), Labcorp); PubMed 23975875 (cited by Labcorp Genetics (formerly Invitae), Labcorp); PubMed 27869827 (cited by Labcorp Genetics (formerly Invitae), Labcorp); PubMed 32964742 (cited by Labcorp Genetics (formerly Invitae), Labcorp).

NM_001267550.2(TTN):c.32922_32923del (p.Thr10975fs)

Gene: TTN (titin; minus strand). Cytogenetic location: 2q31.2.
Variant type: Microsatellite.
Coding change: c.32922_32923del on transcript NM_001267550.2 (MANE Select); coding-DNA positions 32922 to 32923, 2 bases deleted (TA; older notation c.32922_32923delTA).
Protein change: p.Thr10975fs; shifts the reading frame from threonine 10975.
Molecular consequence: frameshift variant. On other transcripts: intron variant (3).
Genome position (GRCh38, 1-based): chr2:178,682,868-178,682,869, TA deleted on the plus strand (TA on the coding strand, the reverse complement: TTN is on the minus strand); deleting any 2 consecutive bases within chr2:178,682,868-178,682,871 gives the same sequence; the c. name uses the placement nearest the transcript's 3' end. VCF-style (leftmost placement, unchanged base first): chr2-178682867-GTA-G. GRCh37 (hg19) VCF-style: chr2-179547594-GTA-G.
Other names: c.29190_29191delTA (NM_133378.4); c.31971_31972del, p.Thr10658fs (NM_001256850.1); c.29190_29191del, p.Thr9731fs (NM_133378.4); c.13283-40552_13283-40551del (NM_003319.4); c.13859-40552_13859-40551del (NM_133437.4); c.13658-40552_13658-40551del (NM_133432.3); short protein forms T10658fs, T10975fs, T9731fs.
Identifiers: ClinVar variation 3756435 (VCV003756435.3).